The following is an entry in ClinVar:

ClinVar aggregate classification (germline): Likely pathogenic (1 of 4 stars; one submission).

Conditions:
GTP cyclohydrolase I deficiency with hyperphenylalaninemia (HPABH4B). Also called: Hyperphenylalaninemia, tetrahydrobiopterin-deficient, due to GTP cyclohydrolase 1 deficiency; HYPERPHENYLALANINEMIA, TETRAHYDROBIOPTERIN-DEFICIENT, DUE TO GTP CYCLOHYDROLASE I DEFICIENCY; HYPERPHENYLALANINEMIA, BH4-DEFICIENT, B. Identifiers: Orphanet 2102, Orphanet 238583, MedGen CN305333, MONDO:0100186, OMIM 233910.

Submission:

Illumina Laboratory Services, Illumina
Classification: Likely pathogenic for GTP cyclohydrolase I deficiency with hyperphenylalaninemia. Last evaluated: 2020-10-30. Review status: criteria provided, single submitter. Criteria: ICSLVariantClassificationCriteria RUGD 01 April 2020. Collection method: clinical testing. Allele origin: unknown.
Comment: The GCH1 c.260_261insTGAGAACCCCCA (p.Pro86_Gln87insHisGluAsnPro) variant results in an inframe insertion. To our knowledge, this variant has not been reported in the peer-reviewed literature. This variant is not observed in version 2.1.1 of the Genome Aggregation Database. This variant is located in a known hotspot. Based on the available evidence, the c.260_261insTGAGAACCCCCA (p.Pro86_Gln87insHisGluAsnPro) is classified as likely pathogenic for hyperphenylalaninemia, BH4-deficient, B.

NM_000161.3(GCH1):c.260_261insTGAGAACCCCCA (p.Pro86_Gln87insHisGluAsnPro)

Gene: GCH1 (GTP cyclohydrolase 1; minus strand). Cytogenetic location: 14q22.2.
Variant type: Insertion.
Coding change: c.260_261insTGAGAACCCCCA on transcript NM_000161.3 (MANE Select); coding-DNA positions 260 to 261, TGAGAACCCCCA inserted.
Protein change: p.Pro86_Gln87insHisGluAsnPro.
Molecular consequence: inframe insertion.
Genome position: GRCh38 VCF-style: chr14-54902403-C-CTGGGGGTTCTCA. GRCh37 (hg19) VCF-style: chr14-55369121-C-CTGGGGGTTCTCA.
Other names: c.260_261insTGAGAACCCCCA, p.Pro86_Gln87insHisGluAsnPro (NM_001024024.2, NM_001024070.2, NM_001024071.2 and 1 more transcripts).
Identifiers: ClinVar variation 3069162 (VCV003069162.1), dbSNP rs2504539432, ClinGen allele CA2825002236.
Genomic context (GRCh38, chr14:54,902,403, plus strand): 5'-CTTGGTGAAGAACTGCATGGCCGAGGCCGCCCTCCAGGGCGTCTTGAGCAGCCCTTGCCG[C>CTGGGGGTTCTCA]TGGGGGTTCTCGCCCAGCGAGCTCAGGATGGACGAGTAGGCGGCTGCCAGGTTAGGGAGG-3'